The following is an entry in ClinVar:

ClinVar aggregate classification (germline): Uncertain significance (1 of 4 stars; one submission).

Conditions:
Atypical hemolytic-uremic syndrome. Identifiers: Orphanet 2134, MedGen C2931788, MONDO:0016244.

Submission:

Genomenon, Inc
Classification: Uncertain significance for Atypical hemolytic-uremic syndrome. Last evaluated: 2025-09-30. Review status: criteria provided, single submitter. Criteria: Genomenon Sequence Variant Interpretation Standards. Collection method: curation. Allele origin: germline. Affected: yes.
Comment: C3 p.Pro63Leu (c.188C>T) is a missense variant that changes the amino acid at residue 63 from Proline to Leucine. This variant has been observed in at least one proband affected with atypical hemolytic-uremic syndrome (PMID:23847193). It is absent or not present at a significant frequency in gnomAD. In conclusion, we classify C3 p.Pro63Leu (c.188C>T) as a variant of unknown significance.

Literature cited by the submitters: PubMed 23847193.

NM_000064.4(C3):c.188C>T (p.Pro63Leu)

Gene: C3 (complement C3; minus strand). Cytogenetic location: 19p13.3.
Variant type: single nucleotide variant.
Coding change: c.188C>T on transcript NM_000064.4 (MANE Select); coding-DNA position 188, C replaced by T.
Protein change: p.Pro63Leu; replaces proline 63 with leucine.
Molecular consequence: missense variant.
Genome position (GRCh38, 1-based): chr19:6,719,290, G>A on the plus strand (C>T on the coding strand, the complement: C3 is on the minus strand). VCF-style: chr19-6719290-G-A. GRCh37 (hg19) VCF-style: chr19-6719301-G-A.
Other names: short protein forms P63L.
Identifiers: ClinVar variation 4280259 (VCV004280259.1).